The following is an entry in ClinVar:

ClinVar aggregate classification (germline): Pathogenic (1 of 4 stars; one submission).

Conditions:
Thrombophilia due to protein C deficiency, autosomal dominant. Also called: PROC DEFICIENCY, AUTOSOMAL DOMINANT; PROTEIN C DEFICIENCY, AUTOSOMAL DOMINANT. Identifiers: Orphanet 745, MedGen C2674321, MONDO:0008316, OMIM 176860. Disease mechanism: loss of function.

Submission:

Labcorp Genetics (formerly Invitae), Labcorp
Classification: Pathogenic for Thrombophilia due to protein C deficiency, autosomal dominant. Last evaluated: 2026-02-01. Review status: criteria provided, single submitter. Criteria: Invitae Variant Classification Sherloc (09022015). Collection method: clinical testing. Allele origin: germline.
Comment: This sequence change creates a premature translational stop signal (p.Cys373Valfs*11) in the PROC gene. While this is not anticipated to result in nonsense mediated decay, it is expected to disrupt the last 89 amino acid(s) of the PROC protein. This variant is not present in population databases (gnomAD no frequency). This variant has not been reported in the literature in individuals affected with PROC-related conditions. This variant disrupts a region of the PROC protein in which other variant(s) (p.Trp414*) have been determined to be pathogenic (PMID: 22951146; internal data). This suggests that this is a clinically significant region of the protein, and that variants that disrupt it are likely to be disease-causing. For these reasons, this variant has been classified as Pathogenic.

Literature cited by the submitters: PubMed 22951146.

NM_000312.4(PROC):c.1115dup (p.Cys373fs)

Gene: PROC (protein C, inactivator of coagulation factors Va and VIIIa; plus strand). Cytogenetic location: 2q14.3.
Variant type: Duplication.
Coding change: c.1115dup on transcript NM_000312.4 (MANE Select); coding-DNA position 1115, one base duplicated (A; older notation c.1115dupA).
Protein change: p.Cys373fs; shifts the reading frame from cysteine 373.
Molecular consequence: frameshift variant.
Genome position (GRCh38, 1-based): chr2:127,428,675, A duplicated. VCF-style (leftmost placement, unchanged base first): chr2-127428674-G-GA. GRCh37 (hg19) VCF-style: chr2-128186250-G-GA.
Other names: c.1298dup, p.Cys434fs (NM_001375602.1); c.1280dup, p.Cys428fs (NM_001375603.1); c.1178dup, p.Cys394fs (NM_001375604.1); c.1217dup, p.Cys407fs (NM_001375605.1); c.1283dup, p.Cys429fs (NM_001375606.1); c.1301dup, p.Cys435fs (NM_001375607.1); c.1058dup, p.Cys354fs (NM_001375608.1); c.1091dup, p.Cys365fs (NM_001375609.1); and 2 more; short protein forms C365fs, C435fs, C354fs, C394fs, C407fs, C373fs, C434fs, C371fs.
Identifiers: ClinVar variation 4698752 (VCV004698752.1).